The following is an entry in ClinVar:

ClinVar aggregate classification (germline): Likely benign. Review status: criteria provided, multiple submitters, no conflicts (2 of 4 stars). 3 submissions from 3 submitters: Likely benign (3). Last evaluated 2024-10-30.

Conditions:
Hereditary pancreatitis (PCTT). Also called: Hereditary chronic pancreatitis; PRSS1-Related Hereditary Pancreatitis. Identifiers: Orphanet 676, MedGen C0238339, MONDO:0008185, OMIM 167800.

Allele frequency attached by ClinVar (database versions not stated): ExAC 0.00012; gnomAD exomes 0.00034; 1000 Genomes Project 30x 0.06964.

Submissions (3):

Labcorp Genetics (formerly Invitae), Labcorp
Classification: Likely benign for Hereditary pancreatitis. Last evaluated: 2024-10-30. Review status: criteria provided, single submitter. Criteria: Invitae Variant Classification Sherloc (09022015). Collection method: clinical testing. Allele origin: germline.

Women's Health and Genetics/Laboratory Corporation of America, LabCorp
Classification: Likely benign. Last evaluated: 2023-04-05. Review status: criteria provided, single submitter. Criteria: LabCorp Variant Classification Summary - May 2015. Collection method: clinical testing. Allele origin: germline.
Comment: Variant summary: PRSS1 c.330A>G alters a non-conserved nucleotide resulting in a synonymous change. 4/4 computational tools predict no significant impact on normal splicing. However, these predictions have yet to be confirmed by functional studies. The variant allele was found at a frequency of 8e-06 in 250572 control chromosomes (gnomAD). The available data on variant occurrences in the general population are insufficient to allow any conclusion about variant significance. To our knowledge, no occurrence of c.330A>G in individuals affected with Chronic Pancreatitis Risk and no experimental evidence demonstrating its impact on protein function have been reported. One clinical diagnostic laboratory has submitted clinical-significance assessments for this variant to ClinVar after 2014 and classified the variant as likely benign. Based on the evidence outlined above, the variant was classified as likely benign.

Ambry Genetics
Classification: Likely benign for Hereditary pancreatitis. Last evaluated: 2022-03-27. Review status: criteria provided, single submitter. Criteria: Ambry Variant Classification Scheme 2023. Collection method: clinical testing. Allele origin: germline.

NM_002769.5(PRSS1):c.330A>G (p.Leu110=)

Genes: TRB (T cell receptor beta locus; plus strand), PRSS1 (serine protease 1; plus strand). Cytogenetic location: 7q34.
Variant type: single nucleotide variant.
Coding change: c.330A>G on transcript NM_002769.5 (MANE Select); coding-DNA position 330, A replaced by G.
Protein change: p.Leu110=; no amino-acid change (leucine 110 retained).
Molecular consequence: synonymous variant. On other transcripts: non-coding transcript variant (4).
Genome position (GRCh38, 1-based): chr7:142,751,903, A>G. VCF-style: chr7-142751903-A-G. GRCh37 (hg19) VCF-style: chr7-142459754-A-G.
Identifiers: ClinVar variation 1730048 (VCV001730048.5), dbSNP rs771259654, ClinGen allele CA4529926.